The following is an entry in ClinVar:

ClinVar aggregate classification (germline): Uncertain significance (1 of 4 stars; one submission).

Conditions:
Retinoblastoma (RB1). Also called: RETINOBLASTOMA, SOMATIC. Identifiers: Orphanet 790, MedGen C0035335, MeSH D012175, MONDO:0008380, OMIM 180200, HP:0009919. Disease mechanism: loss of function. Inheritance: Both sporadic and heritable forms are tested..

Submission:

Labcorp Genetics (formerly Invitae), Labcorp
Classification: Uncertain significance for Retinoblastoma. Last evaluated: 2026-01-05. Review status: criteria provided, single submitter. Criteria: Invitae Variant Classification Sherloc (09022015). Collection method: clinical testing. Allele origin: germline.
Comment: This sequence change replaces glutamic acid, which is acidic and polar, with valine, which is neutral and non-polar, at codon 843 of the RB1 protein (p.Glu843Val). This variant is not present in population databases (gnomAD no frequency). This variant has not been reported in the literature in individuals affected with RB1-related conditions. ClinVar contains an entry for this variant (Variation ID: 972575). Invitae Evidence Modeling of protein sequence and biophysical properties (such as structural, functional, and spatial information, amino acid conservation, physicochemical variation, residue mobility, and thermodynamic stability) indicates that this missense variant is expected to disrupt RB1 protein function with a positive predictive value of 80%. In summary, the available evidence is currently insufficient to determine the role of this variant in disease. Therefore, it has been classified as a Variant of Uncertain Significance.

NM_000321.3(RB1):c.2528A>T (p.Glu843Val)

Gene: RB1 (RB transcriptional corepressor 1; plus strand). Cytogenetic location: 13q14.2.
Variant type: single nucleotide variant.
Coding change: c.2528A>T on transcript NM_000321.3 (MANE Select); coding-DNA position 2528, A replaced by T.
Protein change: p.Glu843Val; replaces glutamic acid 843 with valine.
Molecular consequence: missense variant.
Genome position (GRCh38, 1-based): chr13:48,476,708, A>T. VCF-style: chr13-48476708-A-T. GRCh37 (hg19) VCF-style: chr13-49050844-A-T.
Other names: short protein forms E843V.
Identifiers: ClinVar variation 972575 (VCV000972575.9), dbSNP rs1949505926, ClinGen allele CA388168194.
Genomic context (GRCh38, chr13:48,476,708, plus strand): 5'-CTATGAAACACTGGCATTTAATGATTTAAAGTAAAGAATTCTGTAATTTGTAGACTTCTG[A>T]GAAGTTCCAGAAAATAAATCAGATGGTATGTAACAGCGACCGTGTGCTCAAAAGAAGTGC-3'
Protein context (NP_000312.2, residues 833-853): VSIGESFGTS[Glu843Val]KFQKINQMVC